The following is an entry in ClinVar:

NM_000059.4(BRCA2):c.478_480delinsCTT (p.Val160Leu)

Gene: BRCA2 (BRCA2 DNA repair associated; plus strand). Cytogenetic location: 13q13.1.
Variant type: Indel.
Coding change: c.478_480delinsCTT on transcript NM_000059.4 (MANE Select); coding-DNA positions 478 to 480, GTA replaced by CTT.
Protein change: p.Val160Leu; replaces valine 160 with leucine.
Molecular consequence: missense variant.
Genome position (GRCh38, 1-based): chr13:32,326,244-32,326,246, GTA replaced by CTT. VCF-style: chr13-32326244-GTA-CTT. GRCh37 (hg19) VCF-style: chr13-32900381-GTA-CTT.
Other names: c.478_480delGTAinsCTT (NM_000059.3); short protein forms V160L.
Identifiers: ClinVar variation 630437 (VCV000630437.5), dbSNP rs1566218945, ClinGen allele CA913188562.

ClinVar aggregate classification (germline): Uncertain significance (1 of 4 stars; one submission).

Conditions:
Hereditary cancer-predisposing syndrome. Also called: Tumor predisposition; Neoplastic Syndromes, Hereditary; Hereditary neoplastic syndrome; Hereditary Cancer Syndrome. Identifiers: Orphanet 140162, MedGen C0027672, MeSH D009386, MONDO:0015356.

Submission:

Color Diagnostics, LLC DBA Color Health
Classification: Uncertain significance for Hereditary cancer-predisposing syndrome. Last evaluated: 2023-12-05. Review status: criteria provided, single submitter. Criteria: ACMG Guidelines, 2015. Collection method: clinical testing. Allele origin: germline.
Comment: This missense variant replaces valine with leucine at codon 160 of the BRCA2 protein. To our knowledge, functional studies have not been reported for this variant. This variant has not been reported in individuals affected with BRCA2-related disorders in the literature. This variant has not been identified in the general population by the Genome Aggregation Database (gnomAD). The available evidence is insufficient to determine the role of this variant in disease conclusively. Therefore, this variant is classified as a Variant of Uncertain Significance.